The following is an entry in ClinVar:

ClinVar aggregate classification (germline): not provided (0 of 4 stars; one submission).

Conditions:
Normal pregnancy. Identifiers: MedGen C0232989.

Submission:

Institute of Molecular and Cell Biology, University of Tartu
No classification provided. Condition: Normal pregnancy. Review status: no classification provided. Collection method: case-control. Allele origin: unknown. Affected: yes. Study: Kasak2014.
Comment: The study aimed to determine the contribution of copy number variants in the genetic etiology of normal and complicated pregnancies. The samples represented (i) maternal blood DNA drawn from healthy pregnant women during 1st or 2nd trimester and (ii) maternal and paternal blood DNA drawn at term pregnancy cases representing normal and complicated gestations (severe preeclampsia, PE; gestational diabetes, GD; small-for-gestational age newborn, SGA; large-for-gestational age newborn, LGA). We performed CNV calling based on genome-wide genotyping dataset (Illumina HumanOmniExpress-24-v1 BeadChip) by applying three algorithms, QuantiSNP, GADA (Genome Alteration Detection Algorithm) and CNstream in parallel. The acquired CNV calls were merged with HD-CNV (Hotspot Detector for Copy Number Variants) program and only the CNVs predicted by at least two programs, were considered in subsequent analysis.

Literature cited by the submitters: PubMed 25666259.

Single allele

Genes: LINC03078 (long intergenic non-protein coding RNA 3078; minus strand), PSG11-AS1 (PSG11, PSG2 and PSG5 antisense RNA 1; plus strand), PSG4 (pregnancy specific beta-1-glycoprotein 4; minus strand), PSG5 (pregnancy specific beta-1-glycoprotein 5; minus strand), PSG9 (pregnancy specific beta-1-glycoprotein 9; minus strand) and 1 more. Cytogenetic location: 19q13.31.
Variant type: Deletion.
Identifiers: ClinVar variation 157455 (VCV000157455.2).